The following is an entry in ClinVar:

ClinVar aggregate classification (germline): Likely benign. Review status: reviewed by expert panel (3 of 4 stars). 7 submissions from 7 submitters: Likely benign (1). 6 of the submissions do not count toward it. Last evaluated 2017-06-29.

Conditions:
Hereditary cancer-predisposing syndrome. Also called: Hereditary neoplastic syndrome; Hereditary Cancer Syndrome; Neoplastic Syndromes, Hereditary; Tumor predisposition. Identifiers: Orphanet 140162, MedGen C0027672, MeSH D009386, MONDO:0015356.
Breast-ovarian cancer, familial, susceptibility to, 2 (BROVCA2). Also called: BRCA2 Hereditary Breast and Ovarian Cancer. Identifiers: Orphanet 145, MedGen C2675520, MONDO:0012933, OMIM 612555. Disease mechanism: loss of function.
Hereditary breast ovarian cancer syndrome. Also called: Hereditary breast and ovarian cancer syndrome; BRCA1- and BRCA2-Associated Hereditary Breast and Ovarian Cancer; Hereditary breast and/or ovarian cancer syndrome; Hereditary breast and ovarian cancer; Breast and ovarian cancer; Hereditary breast and ovarian cancer syndrome (HBOC). Identifiers: Orphanet 145, MedGen C0677776, MeSH D061325, MONDO:0003582. Disease mechanism: loss of function.

Allele frequency attached by ClinVar (database versions not stated): TOPMed below 0.00001; ExAC 0.00001; gnomAD exomes 0.00001.
gnomAD v4.1: 3 of 1,614,138 alleles (0.00019%); highest among the groups gnomAD compares: Admixed American, 0.005%; no homozygotes.

Submissions (7):

Evidence-based Network for the Interpretation of Germline Mutant Alleles (ENIGMA)
Classification: Likely benign for Breast-ovarian cancer, familial, susceptibility to, 2. Last evaluated: 2017-06-29. Review status: reviewed by expert panel. Criteria: ENIGMA BRCA1/2 Classification Criteria (2017-06-29). Collection method: curation. Allele origin: germline.
Comment: Synonymous substitution variant, with low bioinformatic likelihood to result in a splicing aberration (Splicing prior probability 0.02).

Labcorp Genetics (formerly Invitae), Labcorp
Classification: Likely benign for Hereditary breast ovarian cancer syndrome. Last evaluated: 2024-06-24. Review status: criteria provided, single submitter. Criteria: Invitae Variant Classification Sherloc (09022015). Collection method: clinical testing. Allele origin: germline. Not counted in ClinVar's aggregate classification.

All of Us Research Program, National Institutes of Health
Classification: Likely benign for Breast-ovarian cancer, familial, susceptibility to, 2. Last evaluated: 2023-12-01. Review status: criteria provided, single submitter. Criteria: ACMG Guidelines, 2015. Collection method: clinical testing. Allele origin: germline. Inheritance: Autosomal dominant inheritance. Observed: 1 variant allele, 1 heterozygote. Not counted in ClinVar's aggregate classification.
Comment: This study involves interpretation of variants in research participants for the purpose of population health screening. Participant phenotype was not available at the time of variant classification. Additional details can be found in publication PMID: 35346344, PMCID: PMC8962531

Women's Health and Genetics/Laboratory Corporation of America, LabCorp
Classification: Likely benign. Last evaluated: 2023-05-14. Review status: criteria provided, single submitter. Criteria: LabCorp Variant Classification Summary - May 2015. Collection method: clinical testing. Allele origin: germline. Not counted in ClinVar's aggregate classification.

Color Diagnostics, LLC DBA Color Health
Classification: Likely benign for Hereditary cancer-predisposing syndrome. Last evaluated: 2022-05-25. Review status: criteria provided, single submitter. Criteria: ACMG Guidelines, 2015. Collection method: clinical testing. Allele origin: germline. Not counted in ClinVar's aggregate classification.

GeneDx
Classification: Likely benign. Last evaluated: 2018-05-01. Review status: criteria provided, single submitter. Criteria: GeneDx Variant Classification (06012015). Collection method: clinical testing. Allele origin: germline. Affected: yes. Not counted in ClinVar's aggregate classification.
Comment: This variant is considered likely benign or benign based on one or more of the following criteria: it is a conservative change, it occurs at a poorly conserved position in the protein, it is predicted to be benign by multiple in silico algorithms, and/or has population frequency not consistent with disease.

Ambry Genetics
Classification: Likely benign for Hereditary cancer-predisposing syndrome. Last evaluated: 2016-05-20. Review status: criteria provided, single submitter. Criteria: Ambry Variant Classification Scheme 2023. Collection method: clinical testing. Allele origin: germline. Not counted in ClinVar's aggregate classification.

NM_000059.4(BRCA2):c.8265A>T (p.Gly2755=)

Gene: BRCA2 (BRCA2 DNA repair associated; plus strand). Cytogenetic location: 13q13.1.
Variant type: single nucleotide variant.
Coding change: c.8265A>T on transcript NM_000059.4 (MANE Select); coding-DNA position 8265, A replaced by T.
Protein change: p.Gly2755=; no amino-acid change (glycine 2755 retained).
Molecular consequence: synonymous variant.
Genome position (GRCh38, 1-based): chr13:32,363,467, A>T. VCF-style: chr13-32363467-A-T. GRCh37 (hg19) VCF-style: chr13-32937604-A-T.
Identifiers: ClinVar variation 427517 (VCV000427517.20), dbSNP rs781363913, ClinGen allele CA6941201.